The following is an entry in ClinVar:

ClinVar aggregate classification (germline): Uncertain significance. Review status: criteria provided, multiple submitters, no conflicts (2 of 4 stars). 4 submissions from 4 submitters: Uncertain significance (4). Last evaluated 2025-07-13.

Conditions:
Hereditary cancer-predisposing syndrome. Also called: Hereditary neoplastic syndrome; Neoplastic Syndromes, Hereditary; Tumor predisposition; Hereditary Cancer Syndrome. Identifiers: Orphanet 140162, MedGen C0027672, MeSH D009386, MONDO:0015356.
Familial adenomatous polyposis 1 (FAP1). Also called: FAMILIAL ADENOMATOUS POLYPOSIS 1, ATTENUATED; POLYPOSIS, ADENOMATOUS INTESTINAL. Identifiers: MedGen C2713442, MONDO:0021056, OMIM 175100. Disease mechanism: loss of function.

Submissions (4):

Ambry Genetics
Classification: Uncertain significance for Hereditary cancer-predisposing syndrome. Last evaluated: 2025-07-13. Review status: criteria provided, single submitter. Criteria: Ambry Variant Classification Scheme 2023. Collection method: clinical testing. Allele origin: germline.
Comment: The p.S2110C variant (also known as c.6329C>G), located in coding exon 15 of the APC gene, results from a C to G substitution at nucleotide position 6329. The serine at codon 2110 is replaced by cysteine, an amino acid with dissimilar properties. This amino acid position is conserved. In addition, in silico predictors for this gene do not accurately predict pathogenicity. Based on the available evidence, the clinical significance of this variant remains unclear.

Labcorp Genetics (formerly Invitae), Labcorp
Classification: Uncertain significance for Familial adenomatous polyposis 1. Last evaluated: 2025-03-17. Review status: criteria provided, single submitter. Criteria: Invitae Variant Classification Sherloc (09022015). Collection method: clinical testing. Allele origin: germline.
Comment: This sequence change replaces serine, which is neutral and polar, with cysteine, which is neutral and slightly polar, at codon 2110 of the APC protein (p.Ser2110Cys). This variant is not present in population databases (gnomAD no frequency). This variant has not been reported in the literature in individuals affected with APC-related conditions. ClinVar contains an entry for this variant (Variation ID: 246231). Invitae Evidence Modeling of protein sequence and biophysical properties (such as structural, functional, and spatial information, amino acid conservation, physicochemical variation, residue mobility, and thermodynamic stability) indicates that this missense variant is not expected to disrupt APC protein function with a negative predictive value of 95%. In summary, the available evidence is currently insufficient to determine the role of this variant in disease. Therefore, it has been classified as a Variant of Uncertain Significance.

Color Diagnostics, LLC DBA Color Health
Classification: Uncertain significance for Hereditary cancer-predisposing syndrome. Last evaluated: 2023-12-04. Review status: criteria provided, single submitter. Criteria: ACMG Guidelines, 2015. Collection method: clinical testing. Allele origin: germline.
Comment: This missense variant replaces serine with cysteine at codon 2110 of the APC protein. Computational prediction is inconclusive regarding the impact of this variant on protein structure and function (internally defined REVEL score threshold 0.5 < inconclusive < 0.7, PMID: 27666373). To our knowledge, functional studies have not been reported for this variant. This variant has not been reported in individuals affected with APC-related disorders in the literature. This variant has not been identified in the general population by the Genome Aggregation Database (gnomAD). The available evidence is insufficient to determine the role of this variant in disease conclusively. Therefore, this variant is classified as a Variant of Uncertain Significance.

GeneDx
Classification: Uncertain significance. Last evaluated: 2023-11-19. Review status: criteria provided, single submitter. Criteria: GeneDx Variant Classification Process June 2021. Collection method: clinical testing. Allele origin: germline. Affected: yes.
Comment: Not observed at significant frequency in large population cohorts (gnomAD); In silico analysis supports that this missense variant has a deleterious effect on protein structure/function; Has not been previously published as pathogenic or benign to our knowledge

NM_000038.6(APC):c.6329C>G (p.Ser2110Cys)

Gene: APC (APC regulator of Wnt signaling pathway; plus strand). Cytogenetic location: 5q22.2.
Variant type: single nucleotide variant.
Coding change: c.6329C>G on transcript NM_000038.6 (MANE Select); coding-DNA position 6329, C replaced by G.
Protein change: p.Ser2110Cys; replaces serine 2110 with cysteine.
Molecular consequence: missense variant.
Genome position (GRCh38, 1-based): chr5:112,841,923, C>G. VCF-style: chr5-112841923-C-G. GRCh37 (hg19) VCF-style: chr5-112177620-C-G.
Other names: c.6329C>G, p.Ser2110Cys (NM_001127510.3, NM_001354895.2); c.6275C>G, p.Ser2092Cys (NM_001127511.3); c.6383C>G, p.Ser2128Cys (NM_001354896.2); c.6359C>G, p.Ser2120Cys (NM_001354897.2); c.6254C>G, p.Ser2085Cys (NM_001354898.2); c.6245C>G, p.Ser2082Cys (NM_001354899.2); c.6206C>G, p.Ser2069Cys (NM_001354900.2); c.6152C>G, p.Ser2051Cys (NM_001354901.2); and 5 more; short protein forms S2092C, S2110C, S2082C, S2085C, S2128C, S1950C, S1984C, S2120C.
Identifiers: ClinVar variation 246231 (VCV000246231.20), dbSNP rs879254166, ClinGen allele CA10584262.
Genomic context (GRCh38, chr5:112,841,923, plus strand): 5'-ATGGTCTATCCCCTGATTCAGAAAATTTTGATTGGAAAGCTATTCAGGAAGGTGCAAATT[C>G]CATAGTAAGTAGTTTACATCAAGCTGCTGCTGCTGCATGTTTATCTAGACAAGCTTCGTC-3'
Protein context (NP_000029.2, residues 2100-2120): DWKAIQEGAN[Ser2110Cys]IVSSLHQAAA